The following is an entry in ClinVar:

ClinVar aggregate classification (germline): Likely benign. Review status: criteria provided, single submitter (1 of 4 stars). 2 submissions from 2 submitters: Likely benign (1). 1 of the submissions does not count toward it. Last evaluated 2025-07-14.

Conditions:
CTSA-related disorder. Also called: CTSA-related condition.
Combined deficiency of sialidase AND beta galactosidase (GSL). Also called: CATHEPSIN A DEFICIENCY; Galactosialidosis; GOLDBERG SYNDROME; NEURAMINIDASE DEFICIENCY WITH BETA-GALACTOSIDASE DEFICIENCY; NEURAMINIDASE/BETA-GALACTOSIDASE EXPRESSION; PPCA DEFICIENCY. Identifiers: Orphanet 351, MedGen C0268233, MONDO:0009737, OMIM 256540.

Allele frequency attached by ClinVar (database versions not stated): gnomAD exomes 0.00001; ExAC 0.00002; gnomAD 0.00002; TOPMed 0.00002.

Submissions (2):

Labcorp Genetics (formerly Invitae), Labcorp
Classification: Likely benign for Combined deficiency of sialidase AND beta galactosidase. Last evaluated: 2025-07-14. Review status: criteria provided, single submitter. Criteria: Invitae Variant Classification Sherloc (09022015). Collection method: clinical testing. Allele origin: germline.

PreventionGenetics, part of Exact Sciences
Classification: Likely benign for CTSA-related condition. Last evaluated: 2019-07-30. Review status: no assertion criteria provided. Collection method: clinical testing. Allele origin: germline. Not counted in ClinVar's aggregate classification.
Comment: This variant is classified as likely benign based on ACMG/AMP sequence variant interpretation guidelines (Richards et al. 2015 PMID: 25741868, with internal and published modifications).

NM_000308.4(CTSA):c.1164+9G>A

Gene: CTSA (cathepsin A; plus strand). Cytogenetic location: 20q13.12.
Variant type: single nucleotide variant.
Coding change: c.1164+9G>A on transcript NM_000308.4 (MANE Select); 9 bases into the intron after coding-DNA position 1164, G replaced by A.
Molecular consequence: intron variant.
Genome position (GRCh38, 1-based): chr20:45,897,049, G>A. VCF-style: chr20-45897049-G-A. GRCh37 (hg19) VCF-style: chr20-44525688-G-A.
Other names: c.1218+9G>A (NM_000308.3); c.1164+9G>A (NM_001127695.3); c.1113+9G>A (NM_001167594.3).
Identifiers: ClinVar variation 2140780 (VCV002140780.6), dbSNP rs746513841, ClinGen allele CA9883304.